The following is an entry in ClinVar:

ClinVar aggregate classification (germline): Uncertain significance (1 of 4 stars; one submission).

Allele frequency attached by ClinVar (database versions not stated): gnomAD exomes below 0.00001; TOPMed below 0.00001.
gnomAD v4.1: 2 of 1,608,984 alleles (0.00012%); highest among the groups gnomAD compares: Non-Finnish European, 0.00017%; no homozygotes.

Submission:

Labcorp Genetics (formerly Invitae), Labcorp
Classification: Uncertain significance. Last evaluated: 2022-12-28. Review status: criteria provided, single submitter. Criteria: Invitae Variant Classification Sherloc (09022015). Collection method: clinical testing. Allele origin: germline.
Comment: This variant is not present in population databases (gnomAD no frequency). In summary, the available evidence is currently insufficient to determine the role of this variant in disease. Therefore, it has been classified as a Variant of Uncertain Significance. Algorithms developed to predict the effect of sequence changes on RNA splicing suggest that this variant may create or strengthen a splice site. Advanced modeling of protein sequence and biophysical properties (such as structural, functional, and spatial information, amino acid conservation, physicochemical variation, residue mobility, and thermodynamic stability) has been performed at Invitae for this missense variant, however the output from this modeling did not meet the statistical confidence thresholds required to predict the impact of this variant on KMT2B protein function. This variant has not been reported in the literature in individuals affected with KMT2B-related conditions. This sequence change replaces tyrosine, which is neutral and polar, with cysteine, which is neutral and slightly polar, at codon 1332 of the KMT2B protein (p.Tyr1332Cys).

NM_014727.3(KMT2B):c.3995A>G (p.Tyr1332Cys)

Gene: KMT2B (lysine methyltransferase 2B; plus strand). Cytogenetic location: 19q13.12.
Variant type: single nucleotide variant.
Coding change: c.3995A>G on transcript NM_014727.3 (MANE Select); coding-DNA position 3995, A replaced by G.
Protein change: p.Tyr1332Cys; replaces tyrosine 1332 with cysteine.
Molecular consequence: missense variant.
Genome position (GRCh38, 1-based): chr19:35,726,345, A>G. VCF-style: chr19-35726345-A-G. GRCh37 (hg19) VCF-style: chr19-36217246-A-G.
Other names: short protein forms Y1332C.
Identifiers: ClinVar variation 2994806 (VCV002994806.3), dbSNP rs942458270, ClinGen allele CA307788827.